The following is an entry in ClinVar:

ClinVar aggregate classification (germline): Conflicting classifications of pathogenicity. Review status: criteria provided, conflicting classifications (1 of 4 stars). 3 submissions from 3 submitters: Uncertain significance (1); Likely benign (2). Last evaluated 2026-01-13.

Conditions:
Mitochondrial complex II deficiency, nuclear type 1. Also called: SUCCINATE CoQ REDUCTASE DEFICIENCY. Identifiers: Orphanet 3208, MedGen C5700310, MONDO:0100294, OMIM 252011.
Pheochromocytoma/paraganglioma syndrome 5. Also called: SDHA-Related Hereditary Paraganglioma-Pheochromocytoma Syndrome; Paragangliomas 5. Identifiers: Orphanet 29072, MedGen C3279992, MONDO:0013602, OMIM 614165.

Allele frequency attached by ClinVar (database versions not stated): TOPMed below 0.00001.
gnomAD v4.1: 3 of 1,614,062 alleles (0.00019%); highest among the groups gnomAD compares: Non-Finnish European, 0.00025%; no homozygotes.

Submissions (3):

Labcorp Genetics (formerly Invitae), Labcorp
Classification: Likely benign for Pheochromocytoma/paraganglioma syndrome 5; Mitochondrial complex II deficiency, nuclear type 1. Last evaluated: 2026-01-13. Review status: criteria provided, single submitter. Criteria: Invitae Variant Classification Sherloc (09022015). Collection method: clinical testing. Allele origin: germline.

Quest Diagnostics Nichols Institute San Juan Capistrano
Classification: Uncertain significance. Last evaluated: 2025-09-15. Review status: criteria provided, single submitter. Criteria: Quest Diagnostics criteria. Collection method: clinical testing. Allele origin: unknown.
Comment: The SDHA c.1260+9G>T variant has not been reported in individuals with SDHA-related conditions in the published literature. This variant has not been reported in large, multi-ethnic general populations (Genome Aggregation Database). Analysis of this variant using software algorithms for the prediction of the effect of nucleotide changes on splicing yielded predictions that this variant does not affect SDHA mRNA splicing. Based on the available information, we are unable to determine the clinical significance of this variant.

Myriad Genetics, Inc.
Classification: Likely benign for Pheochromocytoma/paraganglioma syndrome 5. Last evaluated: 2025-03-10. Review status: criteria provided, single submitter. Criteria: Myriad Autosomal Dominant, Autosomal Recessive and X-Linked Classification Criteria (2023). Collection method: clinical testing. Allele origin: unknown.
Comment: This variant is considered likely benign. This variant is intronic and is not expected to impact mRNA splicing.

NM_004168.4(SDHA):c.1260+9G>T

Gene: SDHA (succinate dehydrogenase complex flavoprotein subunit A; plus strand). Cytogenetic location: 5p15.33.
Variant type: single nucleotide variant.
Coding change: c.1260+9G>T on transcript NM_004168.4 (MANE Select); 9 bases into the intron after coding-DNA position 1260, G replaced by T.
Molecular consequence: intron variant.
Genome position (GRCh38, 1-based): chr5:235,348, G>T. VCF-style: chr5-235348-G-T. GRCh37 (hg19) VCF-style: chr5-235463-G-T.
Other names: c.1260+9G>T (NM_001330758.2); c.1116+9G>T (NM_001294332.2).
Identifiers: ClinVar variation 417239 (VCV000417239.19), dbSNP rs1060505003, ClinGen allele CA16611884.